The following is an entry in ClinVar:

ClinVar aggregate classification (germline): Uncertain significance (1 of 4 stars; one submission).

Conditions:
Alstrom syndrome (ALMS). Identifiers: Orphanet 64, MedGen C0268425, MONDO:0008763, OMIM 203800.

Submission:

Labcorp Genetics (formerly Invitae), Labcorp
Classification: Uncertain significance for Alstrom syndrome. Last evaluated: 2022-04-26. Review status: criteria provided, single submitter. Criteria: Invitae Variant Classification Sherloc (09022015). Collection method: clinical testing. Allele origin: germline.
Comment: In summary, the available evidence is currently insufficient to determine the role of this variant in disease. Therefore, it has been classified as a Variant of Uncertain Significance. This sequence change replaces glutamic acid, which is acidic and polar, with valine, which is neutral and non-polar, at codon 978 of the ALMS1 protein (p.Glu978Val). This variant is not present in population databases (gnomAD no frequency). This variant has not been reported in the literature in individuals affected with ALMS1-related conditions. Experimental studies and prediction algorithms are not available or were not evaluated, and the functional significance of this variant is currently unknown.

NM_001378454.1(ALMS1):c.2930A>T (p.Glu977Val)

Gene: ALMS1 (ALMS1 centrosome and basal body associated protein; plus strand). Cytogenetic location: 2p13.1.
Variant type: single nucleotide variant.
Coding change: c.2930A>T on transcript NM_001378454.1 (MANE Select); coding-DNA position 2930, A replaced by T.
Protein change: p.Glu977Val; replaces glutamic acid 977 with valine.
Molecular consequence: missense variant.
Genome position (GRCh38, 1-based): chr2:73,449,457, A>T. VCF-style: chr2-73449457-A-T. GRCh37 (hg19) VCF-style: chr2-73676584-A-T.
Other names: c.2933A>T, p.Glu978Val (NM_015120.4); short protein forms E977V, E978V.
Identifiers: ClinVar variation 2128687 (VCV002128687.4), dbSNP rs1671880579, ClinGen allele CA347273081.